The following is an entry in ClinVar:

NM_001353694.2(TIAM1):c.91C>T (p.Arg31Cys)

Gene: TIAM1 (TIAM Rac1 associated GEF 1; minus strand). Cytogenetic location: 21q22.11.
Variant type: single nucleotide variant.
Coding change: c.91C>T on transcript NM_001353694.2 (MANE Select); coding-DNA position 91, C replaced by T.
Protein change: p.Arg31Cys; replaces arginine 31 with cysteine.
Molecular consequence: missense variant.
Genome position (GRCh38, 1-based): chr21:31,266,882, G>A on the plus strand (C>T on the coding strand, the complement: TIAM1 is on the minus strand). VCF-style: chr21-31266882-G-A. GRCh37 (hg19) VCF-style: chr21-32639198-G-A.
Other names: c.91C>T, p.Arg31Cys (NM_001353686.2, NM_001353687.2, NM_001353688.1 and 6 more transcripts); short protein forms R31C.
Identifiers: ClinVar variation 5003033 (VCV005003033.1).

ClinVar aggregate classification (germline): Uncertain significance (1 of 4 stars; one submission).

Conditions:
Neurodevelopmental disorder with language delay and seizures (NEDLDS). Identifiers: MedGen C5676998, MONDO:0859256, OMIM 619908.

Submission:

OLLIN Analises Genomicas, OLLIN
Classification: Uncertain significance for Neurodevelopmental disorder with language delay and seizures. Last evaluated: 2026-08-06. Review status: criteria provided, single submitter. Criteria: ACMG Guidelines 2015 PMID 25741868. Collection method: clinical testing. Allele origin: germline.
Comment: This missense variant, located in exon 4 (of 28), has been observed in gnomAD with an allele frequency of 0.00093%, but has not been reported in ClinVar or identified in the literature. In silico analysis is inconclusive regarding the impact of this variant. According to the currently available evidence, this variant has been classified as uncertain significance (PM2_P).